The following is an entry in ClinVar:

NM_001080453.3(INTS1):c.5054G>A (p.Arg1685Gln)

Gene: INTS1 (integrator complex subunit 1; minus strand). Cytogenetic location: 7p22.3.
Variant type: single nucleotide variant.
Coding change: c.5054G>A on transcript NM_001080453.3 (MANE Select); coding-DNA position 5054, G replaced by A.
Protein change: p.Arg1685Gln; replaces arginine 1685 with glutamine.
Molecular consequence: missense variant.
Genome position (GRCh38, 1-based): chr7:1,476,803, C>T on the plus strand (G>A on the coding strand, the complement: INTS1 is on the minus strand). VCF-style: chr7-1476803-C-T. GRCh37 (hg19) VCF-style: chr7-1516439-C-T.
Other names: short protein forms R1685Q.
Identifiers: ClinVar variation 3529378 (VCV003529378.2).
Genomic context (GRCh38, chr7:1,476,803, plus strand): 5'-GGTGAAGGCCAGTATGCGCGCAGCCCAGGTTGGGGACAGGGAGGCGCCCACCTCTGTTCC[C>T]GGCTCTTGCCCAGCAGGACTCGGATGCACTGGTGCAGTGTGGGCCAGCTGGACTGATGCG-3'
Protein context (NP_001073922.2, residues 1675-1695): QCIRVLLGKS[Arg1685Gln]EQRFDPSASL

ClinVar aggregate classification (germline): Uncertain significance. Review status: criteria provided, multiple submitters, no conflicts (2 of 4 stars). 2 submissions from 2 submitters: Uncertain significance (2). Last evaluated 2026-02-13.

Conditions:
Inborn genetic diseases. Identifiers: MedGen C0950123, MeSH D030342.
Neurodevelopmental disorder with cataracts, poor growth, and dysmorphic facies. Identifiers: MedGen C5231414, MONDO:0032817, OMIM 618571.

gnomAD v4.1: 8 of 1,612,736 alleles (0.0005%); highest among the groups gnomAD compares: Non-Finnish European, 0.00068%; no homozygotes.

Submissions (2):

Clinical Genomics Laboratory, Washington University in St. Louis
Classification: Uncertain significance for Neurodevelopmental disorder with cataracts, poor growth, and dysmorphic facies. Last evaluated: 2026-02-13. Review status: criteria provided, single submitter. Criteria: ACMG Guidelines, 2015. Collection method: clinical testing. Allele origin: germline.
Comment: The INTS1 c.5054G>A (p.Arg1658Gln) variant, to our knowledge, has not been reported in the medical literature. This variant is only observed in 2/278,458 alleles in the general population (gnomAD v2.1.1), indicating it is not a common variant. Computational predictors suggest that the variant does not impact INTS1 function. This variant has been reported in the ClinVar database as a germline variant of uncertain significance by a single submitter. Due to limited information, and based on ACMG/AMP guidelines for variant interpretation (Richards S et al., PMID: 25741868), the clinical significance of this variant is uncertain at this time.

Ambry Genetics
Classification: Uncertain significance for Inborn genetic diseases. Last evaluated: 2024-07-09. Review status: criteria provided, single submitter. Criteria: Ambry Variant Classification Scheme 2023. Collection method: clinical testing. Allele origin: germline.